The following is an entry in ClinVar:

ClinVar aggregate classification (germline): Conflicting classifications of pathogenicity. Review status: criteria provided, conflicting classifications (1 of 4 stars). 3 submissions from 3 submitters: Uncertain significance (1); Benign (1); Likely benign (1). Last evaluated 2024-09-30.

Conditions:
Hereditary cancer-predisposing syndrome. Also called: Neoplastic Syndromes, Hereditary; Tumor predisposition; Hereditary Cancer Syndrome; Hereditary neoplastic syndrome. Identifiers: Orphanet 140162, MedGen C0027672, MeSH D009386, MONDO:0015356.
Familial adenomatous polyposis 1 (FAP1). Also called: FAMILIAL ADENOMATOUS POLYPOSIS 1, ATTENUATED; POLYPOSIS, ADENOMATOUS INTESTINAL. Identifiers: MedGen C2713442, MONDO:0021056, OMIM 175100. Disease mechanism: loss of function.

Allele frequency attached by ClinVar (database versions not stated): TOPMed 0.00001.

Submissions (3):

Myriad Genetics, Inc.
Classification: Benign for Familial adenomatous polyposis 1. Last evaluated: 2024-09-30. Review status: criteria provided, single submitter. Criteria: Myriad Autosomal Dominant, Autosomal Recessive and X-Linked Classification Criteria (2023). Collection method: clinical testing. Allele origin: unknown.
Comment: This variant is considered benign. This variant occurs in the non-coding 3' untranslated region of the gene, and is not expected to impact protein function.

Color Diagnostics, LLC DBA Color Health
Classification: Uncertain significance for Hereditary cancer-predisposing syndrome. Last evaluated: 2023-09-29. Review status: criteria provided, single submitter. Criteria: ACMG Guidelines, 2015. Collection method: clinical testing. Allele origin: germline.
Comment: This variant is located in the 3' untranslated region of the APC gene. To our knowledge, functional studies have not been reported for this variant. This variant has not been reported in individuals affected with APC-related disorders in the literature. This variant has not been identified in the general population by the Genome Aggregation Database (gnomAD). The available evidence is insufficient to determine the role of this variant in disease conclusively. Therefore, this variant is classified as a Variant of Uncertain Significance.

GeneDx
Classification: Likely benign. Last evaluated: 2018-09-06. Review status: criteria provided, single submitter. Criteria: GeneDx Variant Classification Process June 2021. Collection method: clinical testing. Allele origin: germline. Affected: yes.

NM_000038.6(APC):c.*7G>A

Gene: APC (APC regulator of Wnt signaling pathway; plus strand). Cytogenetic location: 5q22.2.
Variant type: single nucleotide variant.
Coding change: c.*7G>A on transcript NM_000038.6 (MANE Select); 7 bases downstream of the stop codon, G replaced by A.
Molecular consequence: 3 prime UTR variant.
Genome position (GRCh38, 1-based): chr5:112,844,133, G>A. VCF-style: chr5-112844133-G-A. GRCh37 (hg19) VCF-style: chr5-112179830-G-A.
Other names: c.*7G>A (NM_001127510.3, NM_001127511.3, NM_001354895.2 and 11 more transcripts).
Identifiers: ClinVar variation 918834 (VCV000918834.7), dbSNP rs1225192406, ClinGen allele CA802030099.